The following is an entry in ClinVar:

NM_022124.6(CDH23):c.5821-1G>A

Gene: CDH23 (cadherin related 23; plus strand). Cytogenetic location: 10q22.1.
Variant type: single nucleotide variant.
Coding change: c.5821-1G>A on transcript NM_022124.6 (MANE Select); the canonical splice acceptor site of the intron before coding-DNA position 5821, G replaced by A.
Molecular consequence: splice acceptor variant.
Genome position (GRCh38, 1-based): chr10:71,788,939, G>A. VCF-style: chr10-71788939-G-A. GRCh37 (hg19) VCF-style: chr10-73548696-G-A.
Identifiers: ClinVar variation 2844476 (VCV002844476.3), dbSNP rs2494369582, ClinGen allele CA377149117.
Genomic context (GRCh38, chr10:71,788,939, plus strand): 5'-ACCTAGGTGGGGGCACTTTGCTGAGCATGGCCTACAACGTGCCCCATTCTGCCCCTTGCA[G>A]GATTATGACTTGCTTCTGATCTTCCTTTCTGATGAGAATGACAACCACCCCCTCTTCACT-3'

ClinVar aggregate classification (germline): Likely pathogenic (1 of 4 stars; one submission).

Allele frequency attached by ClinVar (database versions not stated): gnomAD exomes below 0.00001.
gnomAD v4.1: 1 of 1,540,694 alleles (0.000065%); highest among the groups gnomAD compares: Non-Finnish European, 0.00009%; no homozygotes.

Submission:

Labcorp Genetics (formerly Invitae), Labcorp
Classification: Likely pathogenic. Last evaluated: 2023-03-09. Review status: criteria provided, single submitter. Criteria: Invitae Variant Classification Sherloc (09022015). Collection method: clinical testing. Allele origin: germline.
Comment: In summary, the currently available evidence indicates that the variant is pathogenic, but additional data are needed to prove that conclusively. Therefore, this variant has been classified as Likely Pathogenic. Algorithms developed to predict the effect of sequence changes on RNA splicing suggest that this variant may disrupt the consensus splice site. This variant has not been reported in the literature in individuals affected with CDH23-related conditions. This variant is not present in population databases (gnomAD no frequency). This sequence change affects an acceptor splice site in intron 44 of the CDH23 gene. It is expected to disrupt RNA splicing. Variants that disrupt the donor or acceptor splice site typically lead to a loss of protein function (PMID: 16199547), and loss-of-function variants in CDH23 are known to be pathogenic (PMID: 11138009, 21940737).

Literature cited by the submitters: PubMed 16199547; PubMed 11138009; PubMed 21940737.